The following is an entry in ClinVar:

NM_012186.3(FOXE3):c.490C>A (p.Arg164Ser)

Genes: FOXE3 (forkhead box E3; plus strand), LINC01389 (long independently transcribed non-coding RNA 1389; minus strand). Cytogenetic location: 1p33.
Variant type: single nucleotide variant.
Coding change: c.490C>A on transcript NM_012186.3 (MANE Select); coding-DNA position 490, C replaced by A.
Protein change: p.Arg164Ser; replaces arginine 164 with serine.
Molecular consequence: missense variant.
Genome position (GRCh38, 1-based): chr1:47,416,805, C>A. VCF-style: chr1-47416805-C-A. GRCh37 (hg19) VCF-style: chr1-47882477-C-A.
Other names: short protein forms R164S.
Identifiers: ClinVar variation 617851 (VCV000617851.6), dbSNP rs1391534565, ClinGen allele CA340250100.
Genomic context (GRCh38, chr1:47,416,805, plus strand): 5'-TACTGGACGCTGGACCCCGCGGCCGCAGACATGTTCGACAACGGCAGCTTCCTGCGGCGC[C>A]GCAAGCGCTTCAAGCGCGCCGAGCTGCCCGCGCACGCGGCCGCGGCGCCAGGGCCGCCGC-3'
Protein context (NP_036318.1, residues 154-174): MFDNGSFLRR[Arg164Ser]KRFKRAELPA

ClinVar aggregate classification (germline): Uncertain significance. Review status: criteria provided, single submitter (1 of 4 stars). 2 submissions from 2 submitters: Uncertain significance (1). 1 of the submissions does not count toward it. Last evaluated 2025-02-03.

Conditions:
Acute aortic dissection. Identifiers: MedGen C0241868.
Congenital aneurysm of ascending aorta (AAT1). Also called: Aortic aneurysm, thoracic; AORTIC ANEURYSM, FAMILIAL THORACIC 1; ANNULOAORTIC ECTASIA; Familial thoracic aortic aneurysm. Identifiers: Orphanet 229, MedGen C0345050, MONDO:0024559, OMIM 607086.
Congenital primary aphakia. Also called: Anterior segment dysgenesis 2, multiple subtypes; ANTERIOR SEGMENT DYSGENESIS 2. Identifiers: Orphanet 83461, MedGen C1853230, MONDO:0012456, OMIM 610256.
Anterior segment dysgenesis. Also called: Ocular anterior segment dysgenesis. Identifiers: Orphanet 88632, MedGen C1862839, MONDO:0019503, HP:0007700.

Submissions (2):

Labcorp Genetics (formerly Invitae), Labcorp
Classification: Uncertain significance for Anterior segment dysgenesis; Congenital primary aphakia. Last evaluated: 2025-02-03. Review status: criteria provided, single submitter. Criteria: Invitae Variant Classification Sherloc (09022015). Collection method: clinical testing. Allele origin: germline.
Comment: This sequence change replaces arginine, which is basic and polar, with serine, which is neutral and polar, at codon 164 of the FOXE3 protein (p.Arg164Ser). This variant is not present in population databases (gnomAD no frequency). This missense change has been observed in individual(s) with thoracic aortic aneurysms or dissections (PMID: 26854927). ClinVar contains an entry for this variant (Variation ID: 617851). Invitae Evidence Modeling of protein sequence and biophysical properties (such as structural, functional, and spatial information, amino acid conservation, physicochemical variation, residue mobility, and thermodynamic stability) has been performed for this missense variant. However, the output from this modeling did not meet the statistical confidence thresholds required to predict the impact of this variant on FOXE3 protein function. In summary, the available evidence is currently insufficient to determine the role of this variant in disease. Therefore, it has been classified as a Variant of Uncertain Significance.

University of Washington Center for Mendelian Genomics, University of Washington
Classification: Likely pathogenic for Familial thoracic aortic aneurysms; Acute aortic dissections. Last evaluated: 2016-02-08. Review status: no assertion criteria provided. Collection method: research. Allele origin: unknown. Inheritance: Autosomal dominant inheritance. Affected: yes. Not counted in ClinVar's aggregate classification.

Literature cited by the submitters: PubMed 26854927 (cited by Labcorp Genetics (formerly Invitae), Labcorp); PMC 4767350 (cited by University of Washington Center for Mendelian Genomics, University of Washington).